The following is an entry in ClinVar:

NM_020738.4(KIDINS220):c.2151G>A (p.Ser717=)

Gene: KIDINS220 (kinase D interacting substrate 220; minus strand). Cytogenetic location: 2p25.1.
Variant type: single nucleotide variant.
Coding change: c.2151G>A on transcript NM_020738.4 (MANE Select); coding-DNA position 2151, G replaced by A.
Protein change: p.Ser717=; no amino-acid change (serine 717 retained).
Molecular consequence: synonymous variant. On other transcripts: non-coding transcript variant (2).
Genome position (GRCh38, 1-based): chr2:8,785,819, C>T on the plus strand (G>A on the coding strand, the complement: KIDINS220 is on the minus strand). VCF-style: chr2-8785819-C-T. GRCh37 (hg19) VCF-style: chr2-8925949-C-T.
Other names: c.2154G>A, p.Ser718= (NM_001348729.2, NM_001348731.2, NM_001348734.2 and 3 more transcripts); c.2151G>A, p.Ser717= (NM_001348732.2, NM_001348735.2, NM_001348738.2 and 3 more transcripts); c.2025G>A, p.Ser675= (NM_001348736.2).
Identifiers: ClinVar variation 754708 (VCV000754708.11), dbSNP rs765237146, ClinGen allele CA1520037.

ClinVar aggregate classification (germline): Likely benign. Review status: criteria provided, multiple submitters, no conflicts (2 of 4 stars). 3 submissions from 3 submitters: Likely benign (2). 1 of the submissions does not count toward it. Last evaluated 2026-07-01.

Conditions:
KIDINS220-related disorder. Also called: KIDINS220-related condition.

Allele frequency attached by ClinVar (database versions not stated): TOPMed 0.00001; ExAC 0.00002; gnomAD exomes 0.00005.
gnomAD v4.1: 24 of 1,613,926 alleles (0.0015%); highest among the groups gnomAD compares: Admixed American, 0.028%; no homozygotes.

Submissions (3):

CeGaT Center for Human Genetics Tuebingen
Classification: Likely benign. Last evaluated: 2026-07-01. Review status: criteria provided, single submitter. Criteria: CeGaT Center For Human Genetics Tuebingen Variant Classification Criteria Version 2. Collection method: clinical testing. Allele origin: germline. Affected: yes. Observed: 1 variant allele.
Comment: KIDINS220: BP4, BP7

Labcorp Genetics (formerly Invitae), Labcorp
Classification: Likely benign. Last evaluated: 2025-10-01. Review status: criteria provided, single submitter. Criteria: Invitae Variant Classification Sherloc (09022015). Collection method: clinical testing. Allele origin: germline.

PreventionGenetics, part of Exact Sciences
Classification: Likely benign for KIDINS220-related condition. Last evaluated: 2021-07-21. Review status: no assertion criteria provided. Collection method: clinical testing. Allele origin: germline. Not counted in ClinVar's aggregate classification.
Comment: This variant is classified as likely benign based on ACMG/AMP sequence variant interpretation guidelines (Richards et al. 2015 PMID: 25741868, with internal and published modifications).